The following is an entry in ClinVar:

NM_021942.6(TRAPPC11):c.2785T>A (p.Ser929Thr)

Gene: TRAPPC11 (trafficking protein particle complex subunit 11; plus strand). Cytogenetic location: 4q35.1.
Variant type: single nucleotide variant.
Coding change: c.2785T>A on transcript NM_021942.6 (MANE Select); coding-DNA position 2785, T replaced by A.
Protein change: p.Ser929Thr; replaces serine 929 with threonine.
Molecular consequence: missense variant.
Genome position (GRCh38, 1-based): chr4:183,697,769, T>A. VCF-style: chr4-183697769-T-A. GRCh37 (hg19) VCF-style: chr4-184618922-T-A.
Other names: c.2785T>A, p.Ser929Thr (NM_199053.3); short protein forms S929T.
Identifiers: ClinVar variation 2148438 (VCV002148438.1), dbSNP rs200421641, ClinGen allele CA3152313.
Genomic context (GRCh38, chr4:183,697,769, plus strand): 5'-ATCCCCTTTCTGTTGATGACGGACCTCTTAAGTGCCTCACCCTGGGCCCTCACTATTGTT[T>A]CCAGTGAGCTCCAGCTTGCTCCATCCATGACCACAGTGGACCAGCTCGAGTCTCAAGTGG-3'
Protein context (NP_068761.4, residues 919-939): SASPWALTIV[Ser929Thr]SELQLAPSMT

ClinVar aggregate classification (germline): Uncertain significance (1 of 4 stars; one submission).

Conditions:
Autosomal recessive limb-girdle muscular dystrophy type R18 (LGMDR18). Also called: Autosomal recessive limb-girdle muscular dystrophy type 2S; MUSCULAR DYSTROPHY, LIMB-GIRDLE, AUTOSOMAL RECESSIVE 18; Limb-girdle muscular dystrophy, type 2S. Identifiers: Orphanet 369840, MedGen C4517996, MONDO:0014144, OMIM 615356.

Allele frequency attached by ClinVar (database versions not stated): TOPMed 0.00001; gnomAD 0.00002; ExAC 0.00003; 1000 Genomes Project 30x 0.00016; 1000 Genomes Project 0.00020.

Submission:

Labcorp Genetics (formerly Invitae), Labcorp
Classification: Uncertain significance for Autosomal recessive limb-girdle muscular dystrophy type R18. Last evaluated: 2022-07-19. Review status: criteria provided, single submitter. Criteria: Invitae Variant Classification Sherloc (09022015). Collection method: clinical testing. Allele origin: germline.
Comment: This sequence change replaces serine, which is neutral and polar, with threonine, which is neutral and polar, at codon 929 of the TRAPPC11 protein (p.Ser929Thr). This variant is present in population databases (rs200421641, gnomAD 0.004%). This variant has not been reported in the literature in individuals affected with TRAPPC11-related conditions. Algorithms developed to predict the effect of missense changes on protein structure and function (SIFT, PolyPhen-2, Align-GVGD) all suggest that this variant is likely to be tolerated. Algorithms developed to predict the effect of sequence changes on RNA splicing suggest that this variant may disrupt the consensus splice site. In summary, the available evidence is currently insufficient to determine the role of this variant in disease. Therefore, it has been classified as a Variant of Uncertain Significance.